The following is an entry in ClinVar:

NM_001110556.2(FLNA):c.7033C>T (p.Leu2345=)

Gene: FLNA (filamin A; minus strand). Cytogenetic location: Xq28.
Variant type: single nucleotide variant.
Coding change: c.7033C>T on transcript NM_001110556.2 (MANE Select); coding-DNA position 7033, C replaced by T.
Protein change: p.Leu2345=; no amino-acid change (leucine 2345 retained).
Molecular consequence: synonymous variant.
Genome position (GRCh38, 1-based): chrX:154,351,032, G>A on the plus strand (C>T on the coding strand, the complement: FLNA is on the minus strand). VCF-style: chrX-154351032-G-A. GRCh37 (hg19) VCF-style: chrX-153579400-G-A.
Other names: c.7033C>T (NM_001110556.1); c.7009C>T, p.Leu2337= (NM_001456.4).
Identifiers: ClinVar variation 1159834 (VCV001159834.13), dbSNP rs1557175661, ClinGen allele CA519276574.
Genomic context (GRCh38, chrX:154,351,032, plus strand): 5'-CGATCGCCCCCTTGGCCCCGTTCAGGCTGACTGCAAAAGAGGCTGGCTGGTTGACCTTTA[G>A]CCCTGACTCCTGGAAGCACAGCAGACATGGTTAGATGGGGGTGCTTGAGCCAGGGCAAGG-3'
Protein context (NP_001104026.1, residues 2335-2355): LTVSSLQESG[Leu2345=]KVNQPASFAV

ClinVar aggregate classification (germline): Likely benign. Review status: criteria provided, multiple submitters, no conflicts (2 of 4 stars). 4 submissions from 4 submitters: Likely benign (4). Last evaluated 2026-07-16.

Conditions:
Oto-palato-digital syndrome, type II (OPD2). Also called: FACIOPALATOOSSEOUS SYNDROME; Otopalatodigital Syndrome Type 2 (FLNA-OPD2); Otopalatodigital Syndrome, Type II; OPD II SYNDROME. Identifiers: Orphanet 669, Orphanet 90652, MedGen C1844696, MONDO:0010571, OMIM 304120.
Melnick-Needles syndrome (MNS). Also called: MELNICK-NEEDLES OSTEODYSPLASTY; Melnick-Needles Syndrome (FLNA-MNS); OSTEODYSPLASTY OF MELNICK AND NEEDLES. Identifiers: Orphanet 2484, MedGen C0025237, MONDO:0010650, OMIM 309350.
Frontometaphyseal dysplasia (FMD1). Identifiers: Orphanet 1826, MedGen C0265293, MONDO:0015942.
Heterotopia, periventricular, X-linked dominant (PVNH1). Also called: PERIVENTRICULAR NODULAR HETEROTOPIA 4; HETEROTOPIA, PERIVENTRICULAR, 1; X-linked periventricular heterotopia; PERIVENTRICULAR NODULAR HETEROTOPIA 1. Identifiers: Orphanet 2149, Orphanet 82004, MedGen C1848213, MONDO:0010233, OMIM 300049.
FLNA-related disorder.
Familial thoracic aortic aneurysm and aortic dissection (TAAD). Also called: Thoracic aortic aneurysms and dissections. Identifiers: Orphanet 91387, MedGen C4707243, MONDO:0019625.

Allele frequency attached by ClinVar (database versions not stated): gnomAD exomes 0.00001.
gnomAD v4.1: 25 of 1,211,676 alleles (0.0021%); highest among the groups gnomAD compares: Non-Finnish European, 0.0026%; no homozygotes.

Submissions (4):

PreventionGenetics, part of Exact Sciences
Classification: Likely benign for FLNA-related condition. Last evaluated: 2026-07-16. Review status: criteria provided, single submitter. Criteria: ACMG Guidelines, 2015. Collection method: clinical testing. Allele origin: germline.
Comment: This variant is classified as likely benign based on ACMG/AMP sequence variant interpretation guidelines (Richards et al. 2015 PMID: 25741868, with internal and published modifications).

Labcorp Genetics (formerly Invitae), Labcorp
Classification: Likely benign for Oto-palato-digital syndrome, type II; Heterotopia, periventricular, X-linked dominant; Frontometaphyseal dysplasia; Melnick-Needles syndrome. Last evaluated: 2024-05-18. Review status: criteria provided, single submitter. Criteria: Invitae Variant Classification Sherloc (09022015). Collection method: clinical testing. Allele origin: germline.

Blueprint Genetics
Classification: Likely benign. Last evaluated: 2021-03-10. Review status: criteria provided, single submitter. Criteria: ACMG Guidelines, 2015. Collection method: clinical testing. Allele origin: germline.

Ambry Genetics
Classification: Likely benign for Familial thoracic aortic aneurysm and aortic dissection. Last evaluated: 2019-12-30. Review status: criteria provided, single submitter. Criteria: Ambry Variant Classification Scheme 2023. Collection method: clinical testing. Allele origin: germline.